The following is an entry in ClinVar:

NM_003242.6(TGFBR2):c.311C>G (p.Pro104Arg)

Gene: TGFBR2 (transforming growth factor beta receptor 2; plus strand). Cytogenetic location: 3p24.1.
Variant type: single nucleotide variant.
Coding change: c.311C>G on transcript NM_003242.6 (MANE Select); coding-DNA position 311, C replaced by G.
Protein change: p.Pro104Arg; replaces proline 104 with arginine.
Molecular consequence: missense variant. On other transcripts: intron variant (2).
Genome position (GRCh38, 1-based): chr3:30,650,317, C>G. VCF-style: chr3-30650317-C-G. GRCh37 (hg19) VCF-style: chr3-30691809-C-G.
Other names: c.386C>G, p.Pro129Arg (NM_001024847.3, NM_001407126.1, NM_001407139.1); c.311C>G, p.Pro104Arg (NM_001407127.1, NM_001407130.1); c.338C>G, p.Pro113Arg (NM_001407128.1); c.206C>G, p.Pro69Arg (NM_001407129.1, NM_001407132.1, NM_001407133.1 and 3 more transcripts); c.170-21321C>G (NM_001407137.1); c.95-21321C>G (NM_001407138.1); short protein forms P113R, P69R, P129R, P104R.
Identifiers: ClinVar variation 2987535 (VCV002987535.4), dbSNP rs1698856307, ClinGen allele CA351806803.
Genomic context (GRCh38, chr3:30,650,317, plus strand): 5'-CTCTTCACTCTAGGAGAAAGAATGACGAGAACATAACACTAGAGACAGTTTGCCATGACC[C>G]CAAGCTCCCCTACCATGACTTTATTCTGGAAGATGCTGCTTCTCCAAAGTGCATTATGAA-3'
Protein context (NP_003233.4, residues 94-114): NITLETVCHD[Pro104Arg]KLPYHDFILE

ClinVar aggregate classification (germline): Uncertain significance. Review status: criteria provided, multiple submitters, no conflicts (2 of 4 stars). 2 submissions from 2 submitters: Uncertain significance (2). Last evaluated 2024-03-05.

Conditions:
Familial thoracic aortic aneurysm and aortic dissection (TAAD). Also called: Thoracic aortic aneurysms and dissections. Identifiers: Orphanet 91387, MedGen C4707243, MONDO:0019625.
Loeys-Dietz syndrome 2 (LDS2). Also called: TGFBR2-Related Loeys-Dietz Syndrome; MARFAN SYNDROME, TYPE II; AORTIC ANEURYSM, FAMILIAL THORACIC 3; Marfan Syndrome type 2; Marfan like connective tissue disorder; MFS 2. Identifiers: Orphanet 284973, Orphanet 558, MedGen C2674574, MONDO:0012427, OMIM 610168.

Allele frequency attached by ClinVar (database versions not stated): gnomAD exomes below 0.00001; TOPMed below 0.00001.
gnomAD v4.1: 4 of 1,614,048 alleles (0.00025%); highest among the groups gnomAD compares: Non-Finnish European, 0.00034%; no homozygotes.

Submissions (2):

All of Us Research Program, National Institutes of Health
Classification: Uncertain significance for Loeys-Dietz syndrome 2. Last evaluated: 2024-03-05. Review status: criteria provided, single submitter. Criteria: ACMG Guidelines, 2015. Collection method: clinical testing. Allele origin: germline. Inheritance: Autosomal dominant inheritance. Observed: 1 variant allele, 1 heterozygote.
Comment: This study involves interpretation of variants in research participants for the purpose of population health screening. Participant phenotype was not available at the time of variant classification. Additional details can be found in publication PMID: 35346344, PMCID: PMC8962531

Labcorp Genetics (formerly Invitae), Labcorp
Classification: Uncertain significance for Familial thoracic aortic aneurysm and aortic dissection. Last evaluated: 2023-01-26. Review status: criteria provided, single submitter. Criteria: Invitae Variant Classification Sherloc (09022015). Collection method: clinical testing. Allele origin: germline.
Comment: This sequence change replaces proline, which is neutral and non-polar, with arginine, which is basic and polar, at codon 104 of the TGFBR2 protein (p.Pro104Arg). This variant is not present in population databases (gnomAD no frequency). This variant has not been reported in the literature in individuals affected with TGFBR2-related conditions. Advanced modeling of protein sequence and biophysical properties (such as structural, functional, and spatial information, amino acid conservation, physicochemical variation, residue mobility, and thermodynamic stability) has been performed at Invitae for this missense variant, however the output from this modeling did not meet the statistical confidence thresholds required to predict the impact of this variant on TGFBR2 protein function. In summary, the available evidence is currently insufficient to determine the role of this variant in disease. Therefore, it has been classified as a Variant of Uncertain Significance.